The following is an entry in ClinVar:

NM_001369.3(DNAH5):c.1380del (p.Lys460fs)

Gene: DNAH5 (dynein axonemal heavy chain 5; minus strand). Cytogenetic location: 5p15.2.
Variant type: Deletion.
Coding change: c.1380del on transcript NM_001369.3 (MANE Select); coding-DNA position 1380, one base deleted (A; older notation c.1380delA).
Protein change: p.Lys460fs; shifts the reading frame from lysine 460.
Molecular consequence: frameshift variant.
Genome position (GRCh38, 1-based): chr5:13,913,899, T deleted on the plus strand (A on the coding strand, the reverse complement: DNAH5 is on the minus strand); the first of 4 consecutive T bases (chr5:13,913,899-13,913,902); deleting any one gives the same sequence. VCF-style (leftmost placement, unchanged base first): chr5-13913898-GT-G. GRCh37 (hg19) VCF-style: chr5-13914007-GT-G.
Other names: short protein forms K460fs.
Identifiers: ClinVar variation 1069773 (VCV001069773.7), dbSNP rs2151981122, ClinGen allele CA2499217677.

ClinVar aggregate classification (germline): Pathogenic (1 of 4 stars; one submission).

Conditions:
Primary ciliary dyskinesia. Also called: Ciliary dyskinesia. Identifiers: Orphanet 244, MedGen C0008780, MONDO:0016575, HP:0012265.

Submission:

Labcorp Genetics (formerly Invitae), Labcorp
Classification: Pathogenic for Primary ciliary dyskinesia. Last evaluated: 2020-04-06. Review status: criteria provided, single submitter. Criteria: Invitae Variant Classification Sherloc (09022015). Collection method: clinical testing. Allele origin: germline.
Comment: This sequence change creates a premature translational stop signal (p.Lys460Asnfs*24) in the DNAH5 gene. It is expected to result in an absent or disrupted protein product. This variant is not present in population databases (ExAC no frequency). This variant has not been reported in the literature in individuals with DNAH5-related conditions. Loss-of-function variants in DNAH5 are known to be pathogenic (PMID: 11788826, 16627867). For these reasons, this variant has been classified as Pathogenic.

Literature cited by the submitters: PubMed 11788826; PubMed 16627867.